The following is an entry in ClinVar:

NM_001160372.4(TRAPPC9):c.887-10T>A

Gene: TRAPPC9 (trafficking protein particle complex subunit 9; minus strand). Cytogenetic location: 8q24.3.
Variant type: single nucleotide variant.
Coding change: c.887-10T>A on transcript NM_001160372.4 (MANE Select); 10 bases into the intron before coding-DNA position 887, T replaced by A.
Molecular consequence: intron variant.
Genome position (GRCh38, 1-based): chr8:140,405,708, A>T on the plus strand (T>A on the coding strand, the complement: TRAPPC9 is on the minus strand). VCF-style: chr8-140405708-A-T. GRCh37 (hg19) VCF-style: chr8-141415807-A-T.
Other names: c.887-10T>A (NM_031466.8, NM_001374684.1, NM_001374683.1); c.860-10T>A (NM_001321646.2); c.908-10T>A (NM_001374682.1).
Identifiers: ClinVar variation 3652714 (VCV003652714.2).

ClinVar aggregate classification (germline): Uncertain significance (1 of 4 stars; one submission).

Submission:

Labcorp Genetics (formerly Invitae), Labcorp
Classification: Uncertain significance. Last evaluated: 2024-05-27. Review status: criteria provided, single submitter. Criteria: Invitae Variant Classification Sherloc (09022015). Collection method: clinical testing. Allele origin: germline.
Comment: This sequence change falls in intron 5 of the TRAPPC9 gene. It does not directly change the encoded amino acid sequence of the TRAPPC9 protein. This variant is not present in population databases (gnomAD no frequency). This variant has not been reported in the literature in individuals affected with TRAPPC9-related conditions. Algorithms developed to predict the effect of sequence changes on RNA splicing suggest that this variant may disrupt the consensus splice site. In summary, the available evidence is currently insufficient to determine the role of this variant in disease. Therefore, it has been classified as a Variant of Uncertain Significance.